The following is an entry in ClinVar:

ClinVar aggregate classification (germline): Conflicting classifications of pathogenicity. Review status: criteria provided, conflicting classifications (1 of 4 stars). 9 submissions from 6 submitters: Uncertain significance (4); Likely benign (3). 2 of the submissions do not count toward it. Last evaluated 2026-01-12.

Conditions:
carboxymethyl-dextran-A2-gadolinium-DOTA.
Aniridia 1 (AN1). Identifiers: Orphanet 250923, MedGen C0344542, MONDO:0024507, OMIM 106210.
Irido-corneo-trabecular dysgenesis (ASGD5). Also called: ANTERIOR SEGMENT DYSGENESIS 5. Identifiers: Orphanet 708, MedGen C0344559, MONDO:0011414, OMIM 604229, HP:0000659.
Foveal hypoplasia 1. Also called: FOVEAL HYPOPLASIA 1 WITH ANTERIOR SEGMENT ANOMALIES; FOVEAL HYPOPLASIA 1 WITH OR WITHOUT ANTERIOR SEGMENT ANOMALIES AND/OR CATARACT. Identifiers: Orphanet 2253, MedGen C3805604, MONDO:0007628, OMIM 136520.
Autosomal dominant keratitis. Also called: Keratitis, hereditary. Identifiers: Orphanet 2334, MedGen C1835698, MONDO:0007848, OMIM 148190.
Anophthalmia-microphthalmia syndrome. Also called: Anophthalmia - microphthalmia; Anophthalmia/Microphthalmia. Identifiers: Orphanet 98555, MedGen C5680330, MONDO:0020147.

Allele frequency attached by ClinVar (database versions not stated): TOPMed 0.00015; gnomAD exomes 0.00016 and 0.00032; ExAC 0.00021; gnomAD 0.00021 and 0.00024; ESP Exome Variant Server 0.00038.
gnomAD v4.1: 486 of 1,614,142 alleles (0.03%); highest among the groups gnomAD compares: Non-Finnish European, 0.039%; no homozygotes.

Submissions (9):

Labcorp Genetics (formerly Invitae), Labcorp
Classification: Likely benign for Aniridia 1; Irido-corneo-trabecular dysgenesis. Last evaluated: 2026-01-12. Review status: criteria provided, single submitter. Criteria: Invitae Variant Classification Sherloc (09022015). Collection method: clinical testing. Allele origin: germline.

CeGaT Center for Human Genetics Tuebingen
Classification: Likely benign. Last evaluated: 2024-11-01. Review status: criteria provided, single submitter. Criteria: CeGaT Center For Human Genetics Tuebingen Variant Classification Criteria Version 2. Collection method: clinical testing. Allele origin: germline. Affected: yes. Observed: 2 variant alleles.
Comment: PAX6: BP4, BP7

Blueprint Genetics
Classification: Likely benign. Last evaluated: 2024-09-16. Review status: criteria provided, single submitter. Criteria: ACMG Guidelines, 2015. Collection method: clinical testing. Allele origin: germline.

Illumina Laboratory Services, Illumina
Classification: Uncertain significance for Foveal hypoplasia 1. Last evaluated: 2017-04-27. Review status: criteria provided, single submitter. Criteria: ICSL Variant Classification Criteria 13 December 2019. Collection method: clinical testing. Allele origin: germline.

Illumina Laboratory Services, Illumina
Classification: Uncertain significance for carboxymethyl-dextran-A2-gadolinium-DOTA. Last evaluated: 2017-04-27. Review status: criteria provided, single submitter. Criteria: ICSL Variant Classification Criteria 13 December 2019. Collection method: clinical testing. Allele origin: germline.

Illumina Laboratory Services, Illumina
Classification: Uncertain significance for Autosomal dominant keratitis. Last evaluated: 2017-04-27. Review status: criteria provided, single submitter. Criteria: ICSL Variant Classification Criteria 13 December 2019. Collection method: clinical testing. Allele origin: germline.

Illumina Laboratory Services, Illumina
Classification: Uncertain significance for Anophthalmia-microphthalmia syndrome. Last evaluated: 2017-04-27. Review status: criteria provided, single submitter. Criteria: ICSL Variant Classification Criteria 13 December 2019. Collection method: clinical testing. Allele origin: germline.

Clinical Genetics, Academic Medical Center
Classification: Likely benign. Review status: no assertion criteria provided. Collection method: clinical testing. Allele origin: germline. Affected: yes. Study: VKGL Data-share Consensus. Not counted in ClinVar's aggregate classification.

Laboratory of Diagnostic Genome Analysis, Leiden University Medical Center (LUMC)
Classification: Likely benign. Review status: no assertion criteria provided. Collection method: clinical testing. Allele origin: germline. Affected: yes. Study: VKGL Data-share Consensus. Not counted in ClinVar's aggregate classification.

NM_001368894.2(PAX6):c.985T>C (p.Leu329=)

Gene: PAX6 (paired box 6; minus strand). Cytogenetic location: 11p13.
Variant type: single nucleotide variant.
Coding change: c.985T>C on transcript NM_001368894.2 (MANE Select); coding-DNA position 985, T replaced by C.
Protein change: p.Leu329=; no amino-acid change (leucine 329 retained).
Molecular consequence: synonymous variant. On other transcripts: non-coding transcript variant (2).
Genome position (GRCh38, 1-based): chr11:31,793,527, A>G on the plus strand (T>C on the coding strand, the complement: PAX6 is on the minus strand). VCF-style: chr11-31793527-A-G. GRCh37 (hg19) VCF-style: chr11-31815075-A-G.
Other names: c.943T>C, p.Leu315= (NM_000280.6, NM_001127612.3, NM_001258464.2 and 10 more transcripts); c.985T>C, p.Leu329= (NM_001258462.3, NM_001258463.2, NM_001310158.2 and 6 more transcripts); c.535T>C, p.Leu179= (NM_001310160.2, NM_001310161.3, NM_001368899.2 and 11 more transcripts); c.1186T>C, p.Leu396= (NM_001368910.2); c.988T>C, p.Leu330= (NM_001368911.2); c.1060T>C, p.Leu354= (NM_001368918.2, NM_001368919.2); c.1018T>C, p.Leu340= (NM_001368920.2); c.784T>C, p.Leu262= (NM_001368921.2, NM_001368922.2, NM_001368923.2 and 4 more transcripts); and 2 more.
Identifiers: ClinVar variation 623768 (VCV000623768.53), dbSNP rs373147550, ClinGen allele CA5933756.
Genomic context (GRCh38, chr11:31,793,527, plus strand): 5'-AGCTGGGCATAGGCGGCAGAGCGCTGTAGGTGTTTGTGAGGGCTGTGTCTGTTCGGCCCA[A>G]CATGGAGCCAGATGTGAAGGAGGAAACTGAGGGCAAGAGAAATGACAGTAGTCAGAGTGA-3'
Protein context (NP_001355823.1, residues 319-339): PVSSFTSGSM[Leu329=]GRTDTALTNT